The following is an entry in ClinVar:

ClinVar aggregate classification (germline): Uncertain significance. Review status: criteria provided, multiple submitters, no conflicts (2 of 4 stars). 4 submissions from 4 submitters: Uncertain significance (4). Last evaluated 2023-04-07.

Conditions:
Emery-Dreifuss muscular dystrophy 4, autosomal dominant (EDMD4). Also called: EMERY-DREIFUSS MUSCULAR DYSTROPHY 4 WITH VARIABLE FEATURES. Identifiers: Orphanet 261, MedGen C2751807, MONDO:0013071, OMIM 612998.
Autosomal recessive ataxia, Beauce type. Also called: Spinocerebellar ataxia, autosomal recessive 8; ATAXIA, RECESSIVE, OF BEAUCE; SYNE1-Related Autosomal Recessive Cerebellar Ataxia; SYNE1 Deficiency. Identifiers: Orphanet 88644, MedGen C1853116, MONDO:0012549, OMIM 610743.

Allele frequency attached by ClinVar (database versions not stated): gnomAD exomes 0.00001; TOPMed 0.00001; ExAC 0.00002.
gnomAD v4.1: 13 of 1,614,212 alleles (0.00081%); highest among the groups gnomAD compares: South Asian, 0.0022%; no homozygotes.

Submissions (4):

Revvity Omics, Revvity
Classification: Uncertain significance. Last evaluated: 2023-04-07. Review status: criteria provided, single submitter. Criteria: ACMG Guidelines, 2015. Collection method: clinical testing. Allele origin: germline.

Labcorp Genetics (formerly Invitae), Labcorp
Classification: Uncertain significance for Emery-Dreifuss muscular dystrophy 4, autosomal dominant; Autosomal recessive ataxia, Beauce type. Last evaluated: 2018-07-30. Review status: criteria provided, single submitter. Criteria: Invitae Variant Classification Sherloc (09022015). Collection method: clinical testing. Allele origin: germline.
Comment: This sequence change replaces arginine with histidine at codon 8475 of the SYNE1 protein (p.Arg8475His). The arginine residue is highly conserved and there is a small physicochemical difference between arginine and histidine. This variant is present in population databases (rs759577495, ExAC 0.006%). This variant has not been reported in the literature in individuals with SYNE1-related disease. ClinVar contains an entry for this variant (Variation ID: 448591). Algorithms developed to predict the effect of missense changes on protein structure and function are either unavailable or do not agree on the potential impact of this missense change (SIFT: "Deleterious"; PolyPhen-2: "Probably Damaging"; Align-GVGD: "Class C0"). In summary, the available evidence is currently insufficient to determine the role of this variant in disease. Therefore, it has been classified as a Variant of Uncertain Significance.

Eurofins Ntd Llc (ga)
Classification: Uncertain significance. Last evaluated: 2017-06-20. Review status: criteria provided, single submitter. Criteria: EGL Classification Definitions 2015. Collection method: clinical testing. Allele origin: germline. Observed: 1 variant allele, 1 heterozygote.

Athena Diagnostics
Classification: Uncertain significance. Last evaluated: 2016-09-14. Review status: criteria provided, single submitter. Criteria: Athena Diagnostics Criteria. Collection method: clinical testing. Allele origin: germline.

NM_182961.4(SYNE1):c.25568G>A (p.Arg8523His)

Gene: SYNE1 (spectrin repeat containing nuclear envelope protein 1; minus strand). Cytogenetic location: 6q25.2.
Variant type: single nucleotide variant.
Coding change: c.25568G>A on transcript NM_182961.4 (MANE Select); coding-DNA position 25568, G replaced by A.
Protein change: p.Arg8523His; replaces arginine 8523 with histidine.
Molecular consequence: missense variant.
Genome position (GRCh38, 1-based): chr6:152,136,709, C>T on the plus strand (G>A on the coding strand, the complement: SYNE1 is on the minus strand). VCF-style: chr6-152136709-C-T. GRCh37 (hg19) VCF-style: chr6-152457844-C-T.
Other names: c.2174G>A, p.Arg725His (NM_001347701.2); c.2102G>A, p.Arg701His (NM_001347702.2); c.25424G>A, p.Arg8475His (NM_033071.5); short protein forms R8475H, R8523H, R701H, R725H.
Identifiers: ClinVar variation 448591 (VCV000448591.15), dbSNP rs759577495, ClinGen allele CA4052797.